The following is an entry in ClinVar:

ClinVar aggregate classification (germline): Benign/Likely benign. Review status: criteria provided, multiple submitters, no conflicts (2 of 4 stars). 3 submissions from 3 submitters: Benign (1); Likely benign (2). Last evaluated 2025-10-12.

Conditions:
Hereditary cancer-predisposing syndrome. Also called: Tumor predisposition; Hereditary Cancer Syndrome; Neoplastic Syndromes, Hereditary; Hereditary neoplastic syndrome. Identifiers: Orphanet 140162, MedGen C0027672, MeSH D009386, MONDO:0015356.
Breast-ovarian cancer, familial, susceptibility to, 4. Identifiers: Orphanet 145, MedGen C3280345, MONDO:0013669, OMIM 614291.

Submissions (3):

Labcorp Genetics (formerly Invitae), Labcorp
Classification: Likely benign for Breast-ovarian cancer, familial, susceptibility to, 4. Last evaluated: 2025-10-12. Review status: criteria provided, single submitter. Criteria: Invitae Variant Classification Sherloc (09022015). Collection method: clinical testing. Allele origin: germline.

Myriad Genetics, Inc.
Classification: Benign for Breast-ovarian cancer, familial, susceptibility to, 4. Last evaluated: 2025-02-25. Review status: criteria provided, single submitter. Criteria: Myriad Autosomal Dominant, Autosomal Recessive and X-Linked Classification Criteria (2023). Collection method: clinical testing. Allele origin: unknown.
Comment: This variant is considered benign. This variant is a silent/synonymous amino acid change and it is not expected to impact splicing.

Ambry Genetics
Classification: Likely benign for Hereditary cancer-predisposing syndrome. Last evaluated: 2018-08-13. Review status: criteria provided, single submitter. Criteria: Ambry Variant Classification Scheme 2023. Collection method: clinical testing. Allele origin: germline.

NM_002878.4(RAD51D):c.885G>T (p.Leu295=)

Genes: RAD51L3-RFFL (RAD51L3-RFFL readthrough; minus strand), RAD51D (RAD51 paralog D; minus strand). Cytogenetic location: 17q12.
Variant type: single nucleotide variant.
Coding change: c.885G>T on transcript NM_002878.4 (MANE Select); coding-DNA position 885, G replaced by T.
Protein change: p.Leu295=; no amino-acid change (leucine 295 retained).
Molecular consequence: synonymous variant. On other transcripts: non-coding transcript variant (3).
Genome position (GRCh38, 1-based): chr17:35,101,219, C>A on the plus strand (G>T on the coding strand, the complement: RAD51D is on the minus strand). VCF-style: chr17-35101219-C-A. GRCh37 (hg19) VCF-style: chr17-33428238-C-A.
Other names: c.945G>T, p.Leu315= (NM_001142571.2); c.549G>T, p.Leu183= (NM_133629.3).
Identifiers: ClinVar variation 822780 (VCV000822780.6), dbSNP rs876659714, ClinGen allele CA499728712.